The following is an entry in ClinVar:

ClinVar aggregate classification (germline): Conflicting classifications of pathogenicity. Review status: criteria provided, conflicting classifications (1 of 4 stars). 5 submissions from 5 submitters: Uncertain significance (3); Likely benign (2). Last evaluated 2025-09-24.

Conditions:
Hereditary cancer-predisposing syndrome. Also called: Neoplastic Syndromes, Hereditary; Tumor predisposition; Hereditary Cancer Syndrome; Hereditary neoplastic syndrome. Identifiers: Orphanet 140162, MedGen C0027672, MeSH D009386, MONDO:0015356.
Hereditary breast ovarian cancer syndrome. Also called: Hereditary breast and/or ovarian cancer syndrome; Hereditary breast and ovarian cancer syndrome; Hereditary breast and ovarian cancer; Hereditary breast and ovarian cancer syndrome (HBOC); Breast and ovarian cancer; BRCA1- and BRCA2-Associated Hereditary Breast and Ovarian Cancer. Identifiers: Orphanet 145, MedGen C0677776, MeSH D061325, MONDO:0003582. Disease mechanism: loss of function.
Breast-ovarian cancer, familial, susceptibility to, 2 (BROVCA2). Also called: BRCA2 Hereditary Breast and Ovarian Cancer. Identifiers: Orphanet 145, MedGen C2675520, MONDO:0012933, OMIM 612555. Disease mechanism: loss of function.
BRCA2-related cancer predisposition. Identifiers: MedGen CN377758, MONDO:0700269.

gnomAD v4.1: 1 of 1,613,328 alleles (0.000062%); highest among the groups gnomAD compares: African/African-American, 0.0013%; no homozygotes.

Submissions (5):

Labcorp Genetics (formerly Invitae), Labcorp
Classification: Uncertain significance for Hereditary breast ovarian cancer syndrome. Last evaluated: 2025-09-24. Review status: criteria provided, single submitter. Criteria: Invitae Variant Classification Sherloc (09022015). Collection method: clinical testing. Allele origin: germline.
Comment: This sequence change replaces phenylalanine, which is neutral and non-polar, with leucine, which is neutral and non-polar, at codon 3090 of the BRCA2 protein (p.Phe3090Leu). This variant is not present in population databases (gnomAD no frequency). This variant has not been reported in the literature in individuals affected with BRCA2-related conditions. ClinVar contains an entry for this variant (Variation ID: 566876). Invitae Evidence Modeling of protein sequence and biophysical properties (such as structural, functional, and spatial information, amino acid conservation, physicochemical variation, residue mobility, and thermodynamic stability) indicates that this missense variant is not expected to disrupt BRCA2 protein function with a negative predictive value of 95%. In summary, the available evidence is currently insufficient to determine the role of this variant in disease. Therefore, it has been classified as a Variant of Uncertain Significance.

Myriad Genetics, Inc.
Classification: Likely benign for Breast-ovarian cancer, familial, susceptibility to, 2. Last evaluated: 2024-11-12. Review status: criteria provided, single submitter. Criteria: Myriad Autosomal Dominant, Autosomal Recessive and X-Linked Classification Criteria (2023). Collection method: clinical testing. Allele origin: unknown.
Comment: This variant is considered likely benign. This variant is strongly associated with less severe personal and family histories of cancer, typical for individuals without pathogenic variants in this gene [PMID: 25085752].

All of Us Research Program, National Institutes of Health
Classification: Uncertain significance for BRCA2-related cancer predisposition. Last evaluated: 2024-07-29. Review status: criteria provided, single submitter. Criteria: ACMG Guidelines, 2015. Collection method: clinical testing. Allele origin: germline. Inheritance: Autosomal dominant inheritance. Observed: 1 variant allele, 1 heterozygote.
Comment: This missense variant replaces phenylalanine with leucine at codon 3090 of the BRCA2 protein. Computational prediction suggests that this variant may not impact protein structure and function (internally defined REVEL score threshold <= 0.5, PMID: 27666373). To our knowledge, functional studies have not been reported for this variant. This variant has not been reported in individuals affected with hereditary cancer in the literature. This variant has not been identified in the general population by the Genome Aggregation Database (gnomAD). The available evidence is insufficient to determine the role of this variant in disease conclusively. Therefore, this variant is classified as a Variant of Uncertain Significance.

This study involves interpretation of variants in research participants for the purpose of population health screening. Participant phenotype was not available at the time of variant classification. Additional details can be found in publication PMID: 35346344, PMCID: PMC8962531

ARUP Laboratories, Molecular Genetics and Genomics, ARUP Laboratories
Classification: Uncertain significance. Last evaluated: 2024-03-20. Review status: criteria provided, single submitter. Criteria: ARUP Molecular Germline Variant Investigation Process 2024. Collection method: clinical testing. Allele origin: germline.
Comment: The BRCA2 c.9270C>G; p.Phe3090Leu variant (rs587780873), to our knowledge, is not reported in the medical literature but is reported in ClinVar (Variation ID: 566876). This variant is absent from the Genome Aggregation Database (v2.1.1 non-cancer), indicating it is not a common polymorphism. This variant is located within the BRCA2 DNA binding domain (aa2481-3186), but computational analyses predict that this variant is neutral (BayesDel: -0.138879). Due to limited information, the clinical significance of this variant is uncertain at this time.

Ambry Genetics
Classification: Likely benign for Hereditary cancer-predisposing syndrome. Last evaluated: 2020-01-29. Review status: criteria provided, single submitter. Criteria: Ambry Variant Classification Scheme 2023. Collection method: clinical testing. Allele origin: germline.

Literature cited by the submitters: PubMed 25085752 (cited by Myriad Genetics, Inc.).

NM_000059.4(BRCA2):c.9270C>G (p.Phe3090Leu)

Gene: BRCA2 (BRCA2 DNA repair associated; plus strand). Cytogenetic location: 13q13.1.
Variant type: single nucleotide variant.
Coding change: c.9270C>G on transcript NM_000059.4 (MANE Select); coding-DNA position 9270, C replaced by G.
Protein change: p.Phe3090Leu; replaces phenylalanine 3090 with leucine.
Molecular consequence: missense variant.
Genome position (GRCh38, 1-based): chr13:32,394,702, C>G. VCF-style: chr13-32394702-C-G. GRCh37 (hg19) VCF-style: chr13-32968839-C-G.
Other names: short protein forms F3090L.
Identifiers: ClinVar variation 566876 (VCV000566876.16), dbSNP rs587780873, ClinGen allele CA247504806.
Genomic context (GRCh38, chr13:32,394,702, plus strand): 5'-ATCTAACACATCTATAATAACATTCTTTTCTTTTTTTTCCATTCTAGGACTTGCCCCTTT[C>G]GTCTATTTGTCAGACGAATGTTACAATTTACTGGCAATAAAGTTTTGGATAGACCTTAAT-3'
Protein context (NP_000050.3, residues 3080-3100): SVVKKTGLAP[Phe3090Leu]VYLSDECYNL